The following is an entry in ClinVar:

ClinVar aggregate classification (germline): Uncertain significance (1 of 4 stars; one submission).

Allele frequency attached by ClinVar (database versions not stated): gnomAD exomes below 0.00001; TOPMed 0.00001; ExAC 0.00002.
gnomAD v4.1: 2 of 1,609,604 alleles (0.00012%); highest among the groups gnomAD compares: Admixed American, 0.0017%; no homozygotes.

Submission:

Labcorp Genetics (formerly Invitae), Labcorp
Classification: Uncertain significance. Last evaluated: 2023-08-11. Review status: criteria provided, single submitter. Criteria: Invitae Variant Classification Sherloc (09022015). Collection method: clinical testing. Allele origin: germline.
Comment: In summary, the available evidence is currently insufficient to determine the role of this variant in disease. Therefore, it has been classified as a Variant of Uncertain Significance. An algorithm developed to predict the effect of missense changes on protein structure and function (PolyPhen-2) suggests that this variant is likely to be tolerated. This sequence change replaces glutamic acid, which is acidic and polar, with valine, which is neutral and non-polar, at codon 559 of the SEPT9 protein (p.Glu559Val). This variant is present in population databases (rs752500912, gnomAD 0.006%). This variant has not been reported in the literature in individuals affected with SEPT9-related conditions.

NM_001113491.2(SEPTIN9):c.1730A>T (p.Glu577Val)

Gene: SEPTIN9 (septin 9; plus strand). Cytogenetic location: 17q25.3.
Variant type: single nucleotide variant.
Coding change: c.1730A>T on transcript NM_001113491.2 (MANE Select); coding-DNA position 1730, A replaced by T.
Protein change: p.Glu577Val; replaces glutamic acid 577 with valine.
Molecular consequence: missense variant.
Genome position (GRCh38, 1-based): chr17:77,498,627, A>T. VCF-style: chr17-77498627-A-T. GRCh37 (hg19) VCF-style: chr17-75494709-A-T.
Other names: c.1238A>T, p.Glu413Val (NM_001113492.2, NM_001113494.1); c.1709A>T, p.Glu570Val (NM_001113493.2); c.977A>T, p.Glu326Val (NM_001113495.2, NM_001113496.2, NM_001293697.2 and 1 more transcripts); c.1673A>T, p.Glu558Val (NM_001293695.2); c.1058A>T, p.Glu353Val (NM_001293696.2); c.1676A>T, p.Glu559Val (NM_006640.5); short protein forms E558V, E413V, E559V, E570V, E577V, E326V, E353V.
Identifiers: ClinVar variation 2807394 (VCV002807394.3), dbSNP rs752500912, ClinGen allele CA8793926.